The following is an entry in ClinVar:

ClinVar aggregate classification (germline): Uncertain significance (1 of 4 stars; one submission).

Conditions:
Developmental and epileptic encephalopathy 94 (DEE94). Also called: CHD2-Related Neurodevelopmental Disorders; Epileptic encephalopathy, childhood-onset. Identifiers: Orphanet 1942, Orphanet 2382, MedGen C3809278, MONDO:0014150, OMIM 615369.

Allele frequency attached by ClinVar (database versions not stated): gnomAD exomes below 0.00001.

Submission:

Labcorp Genetics (formerly Invitae), Labcorp
Classification: Uncertain significance for Developmental and epileptic encephalopathy 94. Last evaluated: 2022-07-06. Review status: criteria provided, single submitter. Criteria: Invitae Variant Classification Sherloc (09022015). Collection method: clinical testing. Allele origin: germline.
Comment: This variant has not been reported in the literature in individuals affected with CHD2-related conditions. In summary, the available evidence is currently insufficient to determine the role of this variant in disease. Therefore, it has been classified as a Variant of Uncertain Significance. Advanced modeling of protein sequence and biophysical properties (such as structural, functional, and spatial information, amino acid conservation, physicochemical variation, residue mobility, and thermodynamic stability) performed at Invitae indicates that this missense variant is not expected to disrupt CHD2 protein function. This variant is not present in population databases (gnomAD no frequency). This sequence change replaces glutamic acid, which is acidic and polar, with lysine, which is basic and polar, at codon 52 of the CHD2 protein (p.Glu52Lys).

NM_001271.4(CHD2):c.154G>A (p.Glu52Lys)

Gene: CHD2 (chromodomain helicase DNA binding protein 2; plus strand). Cytogenetic location: 15q26.1.
Variant type: single nucleotide variant.
Coding change: c.154G>A on transcript NM_001271.4 (MANE Select); coding-DNA position 154, G replaced by A.
Protein change: p.Glu52Lys; replaces glutamic acid 52 with lysine.
Molecular consequence: missense variant.
Genome position (GRCh38, 1-based): chr15:92,924,412, G>A. VCF-style: chr15-92924412-G-A. GRCh37 (hg19) VCF-style: chr15-93467642-G-A.
Other names: c.154G>A, p.Glu52Lys (NM_001042572.3); short protein forms E52K.
Identifiers: ClinVar variation 2140656 (VCV002140656.4), dbSNP rs2505384354, ClinGen allele CA393896181.